The following is an entry in ClinVar:

ClinVar aggregate classification (germline): Uncertain significance (1 of 4 stars; one submission).

Conditions:
Exostoses, multiple, type 2 (EXT2). Also called: Hereditary Multiple Osteochondromatosis, Type II; EXOSTOSES, MULTIPLE, TYPE II. Identifiers: Orphanet 321, MedGen C1851413, MONDO:0007586, OMIM 133701.

Submission:

Labcorp Genetics (formerly Invitae), Labcorp
Classification: Uncertain significance for Exostoses, multiple, type 2. Last evaluated: 2020-04-07. Review status: criteria provided, single submitter. Criteria: Invitae Variant Classification Sherloc (09022015). Collection method: clinical testing. Allele origin: germline.
Comment: In summary, the available evidence is currently insufficient to determine the role of this variant in disease. Therefore, it has been classified as a Variant of Uncertain Significance. Algorithms developed to predict the effect of missense changes on protein structure and function (SIFT, PolyPhen-2, Align-GVGD) all suggest that this variant is likely to be tolerated, but these predictions have not been confirmed by published functional studies and their clinical significance is uncertain. This variant has not been reported in the literature in individuals with EXT2-related conditions. This variant is not present in population databases (ExAC no frequency). This sequence change replaces valine with leucine at codon 296 of the EXT2 protein (p.Val296Leu). The valine residue is moderately conserved and there is a small physicochemical difference between valine and leucine.

NM_207122.2(EXT2):c.886G>C (p.Val296Leu)

Gene: EXT2 (exostosin glycosyltransferase 2; plus strand). Cytogenetic location: 11p11.2.
Variant type: single nucleotide variant.
Coding change: c.886G>C on transcript NM_207122.2 (MANE Select); coding-DNA position 886, G replaced by C.
Protein change: p.Val296Leu; replaces valine 296 with leucine.
Molecular consequence: missense variant.
Genome position (GRCh38, 1-based): chr11:44,124,931, G>C. VCF-style: chr11-44124931-G-C. GRCh37 (hg19) VCF-style: chr11-44146481-G-C.
Other names: c.985G>C, p.Val329Leu (NM_000401.3); c.886G>C, p.Val296Leu (NM_001178083.3); short protein forms V296L, V329L.
Identifiers: ClinVar variation 1018017 (VCV001018017.9), dbSNP rs1954377301, ClinGen allele CA380168443.